The following is an entry in ClinVar:

ClinVar aggregate classification (germline): Uncertain significance. Review status: criteria provided, multiple submitters, no conflicts (2 of 4 stars). 5 submissions from 5 submitters: Uncertain significance (5). Last evaluated 2023-07-21.

Conditions:
Autosomal recessive limb-girdle muscular dystrophy type 2J (LGMDR10). Also called: Limb-girdle muscular dystrophy, type 2J; MUSCULAR DYSTROPHY, LIMB-GIRDLE, AUTOSOMAL RECESSIVE 10. Identifiers: Orphanet 140922, MedGen C1837342, MONDO:0012127, OMIM 608807.
Dilated cardiomyopathy 1G (CMD1G). Identifiers: Orphanet 154, MedGen C1858763, MONDO:0011400, OMIM 604145.
Myopathy, myofibrillar, 9, with early respiratory failure (MFM9). Also called: Hereditary myopathy with early respiratory failure; Myopathy, distal, with early respiratory failure, autosomal dominant; EDSTROM MYOPATHY; MYOPATHY, PROXIMAL, WITH EARLY RESPIRATORY MUSCLE INVOLVEMENT. Identifiers: Orphanet 178464, Orphanet 34521, MedGen C1863599, MONDO:0011362, OMIM 603689.
Tibial muscular dystrophy (TMD). Also called: Tibial muscular dystrophy, tardive; Udd Distal Myopathy – Tibial Muscular Dystrophy; UDD MYOPATHY. Identifiers: Orphanet 609, MedGen C1838244, MONDO:0010870, OMIM 600334.
Hypertrophic cardiomyopathy 9. Also called: Familial hypertrophic cardiomyopathy 9. Identifiers: MedGen C1861065, MONDO:0013412, OMIM 613765.
Early-onset myopathy with fatal cardiomyopathy (CMYO5). Also called: CONGENITAL MYOPATHY 5 WITH CARDIOMYOPATHY; Salih Myopathy. Identifiers: Orphanet 289377, MedGen C2673677, MONDO:0012714, OMIM 611705. Disease mechanism: loss of function.
Cardiomyopathy (CMYO). Also called: Cardiomyopathies. Identifiers: Orphanet 167848, MedGen C0878544, MONDO:0004994, HP:0001638. Inheritance: Various modes of inheritance.

Submissions (5):

GeneDx
Classification: Uncertain significance. Last evaluated: 2023-07-21. Review status: criteria provided, single submitter. Criteria: GeneDx Variant Classification Process June 2021. Collection method: clinical testing. Allele origin: germline. Affected: yes.
Comment: In-frame deletion of five amino acids in a non-repeat region; Located in a region of TTN within the I-band (Deo et al., 2016; Schafer et al., 2017); In silico analysis supports a deleterious effect on protein structure/function; Has not been previously published as pathogenic or benign to our knowledge

CHEO Genetics Diagnostic Laboratory, Children's Hospital of Eastern Ontario
Classification: Uncertain significance for Cardiomyopathy. Last evaluated: 2022-11-17. Review status: criteria provided, single submitter. Criteria: ACMG Guidelines, 2015. Collection method: clinical testing. Allele origin: germline.

Mayo Clinic Laboratories, Mayo Clinic
Classification: Uncertain significance. Last evaluated: 2021-09-13. Review status: criteria provided, single submitter. Criteria: ACMG Guidelines, 2015. Collection method: clinical testing. Allele origin: germline.

Labcorp Genetics (formerly Invitae), Labcorp
Classification: Uncertain significance for Dilated cardiomyopathy 1G; Autosomal recessive limb-girdle muscular dystrophy type 2J. Last evaluated: 2016-11-08. Review status: criteria provided, single submitter. Criteria: Invitae Variant Classification Sherloc (09022015). Collection method: clinical testing. Allele origin: germline.

Juno Genomics, Hangzhou Juno Genomics, Inc
Classification: Uncertain significance for Myopathy, myofibrillar, 9, with early respiratory failure; Tibial muscular dystrophy; Early-onset myopathy with fatal cardiomyopathy; Dilated cardiomyopathy 1G; Hypertrophic cardiomyopathy 9; Autosomal recessive limb-girdle muscular dystrophy type 2J. Review status: criteria provided, single submitter. Criteria: ACMG Guidelines, 2015. Collection method: clinical testing. Allele origin: germline.
Comment: Absent from controls (or at extremely low frequency if recessive) in Genome Aggregation Database.;Protein length changes due to in-frame deletions/insertions in a non-repeat region or stop-loss variants.

NM_001267550.2(TTN):c.34402_34416del (p.Thr11468_Val11472del)

Gene: TTN (titin; minus strand). Cytogenetic location: 2q31.2.
Variant type: Deletion.
Coding change: c.34402_34416del on transcript NM_001267550.2 (MANE Select); coding-DNA positions 34402 to 34416, 15 bases deleted (ACAGAGAAGAAAGTG).
Protein change: p.Thr11468_Val11472del.
Molecular consequence: inframe deletion. On other transcripts: intron variant (3).
Genome position (GRCh38, 1-based): chr2:178,675,958-178,675,972, CACTTTCTTCTCTGT deleted on the plus strand (ACAGAGAAGAAAGTG on the coding strand, the reverse complement: TTN is on the minus strand); deleting any 15 consecutive bases within chr2:178,675,958-178,675,983 gives the same sequence; the c. name uses the placement nearest the transcript's 3' end. VCF-style (leftmost placement, unchanged base first): chr2-178675957-CCACTTTCTTCTCTGT-C. GRCh37 (hg19) VCF-style: chr2-179540684-CCACTTTCTTCTCTGT-C.
Other names: p.Thr11122_Val11126del; c.33364_33378del, p.Thr11122_Val11126del (NM_001256850.1); c.30583_30597del, p.Thr10195_Val10199del (NM_133378.4); c.13283-33655_13283-33641del (NM_003319.4); c.13859-33655_13859-33641del (NM_133437.4); c.13658-33655_13658-33641del (NM_133432.3); c.34402_34416delACAGAGAAGAAAGTG (NM_001267550.2); c.34402_34416del (NM_001267550.1); and 2 more.
Identifiers: ClinVar variation 405076 (VCV000405076.14), dbSNP rs754236839, ClinGen allele CA1998075.